The following is an entry in ClinVar:

NM_002693.3(POLG):c.2140G>A (p.Gly714Ser)

Gene: POLG (DNA polymerase gamma, catalytic subunit; minus strand). Cytogenetic location: 15q26.1.
Variant type: single nucleotide variant.
Coding change: c.2140G>A on transcript NM_002693.3 (MANE Select); coding-DNA position 2140, G replaced by A.
Protein change: p.Gly714Ser; replaces glycine 714 with serine.
Molecular consequence: missense variant.
Genome position (GRCh38, 1-based): chr15:89,323,832, C>T on the plus strand (G>A on the coding strand, the complement: POLG is on the minus strand). VCF-style: chr15-89323832-C-T. GRCh37 (hg19) VCF-style: chr15-89867063-C-T.
Other names: c.2140G>A, p.Gly714Ser (NM_001126131.2); short protein forms G714S.
Identifiers: ClinVar variation 851356 (VCV000851356.10), dbSNP rs2055433258, ClinGen allele CA393757067.
Genomic context (GRCh38, chr15:89,323,832, plus strand): 5'-ACCCAGCACCCACCTAGAGAACCCAAGCCGGCGCACTGCTCACCAGAGCTAGGGGTTGAC[C>T]TGGCACTGCAGCTCGCAAGTTCTCCATCTTGGCCTCAGCCTCCACTTCTAAGTAATCCAG-3'
Protein context (NP_002684.1, residues 704-724): KMENLRAAVP[Gly714Ser]QPLALTARGG

ClinVar aggregate classification (germline): Uncertain significance (1 of 4 stars; one submission).

Conditions:
Progressive sclerosing poliodystrophy (MTDPS4A). Also called: Mitochondrial DNA depletion syndrome 4A (Alpers type); ALPERS PROGRESSIVE INFANTILE POLIODYSTROPHY; NEURONAL DEGENERATION OF CHILDHOOD WITH LIVER DISEASE, PROGRESSIVE; Alpers Syndrome; Mitochondrial DNA Depletion Syndrome 4A; Alpers-Huttenlocher Syndrome (AHS). Identifiers: Orphanet 726, MedGen C0205710, MONDO:0008758, OMIM 203700.

Submission:

Labcorp Genetics (formerly Invitae), Labcorp
Classification: Uncertain significance for Progressive sclerosing poliodystrophy. Last evaluated: 2020-04-26. Review status: criteria provided, single submitter. Criteria: Invitae Variant Classification Sherloc (09022015). Collection method: clinical testing. Allele origin: germline.
Comment: In summary, the available evidence is currently insufficient to determine the role of this variant in disease. Therefore, it has been classified as a Variant of Uncertain Significance. Algorithms developed to predict the effect of missense changes on protein structure and function output the following: SIFT: "Tolerated"; PolyPhen-2: "Benign"; Align-GVGD: "Class C0". The serine amino acid residue is found in multiple mammalian species, suggesting that this missense change does not adversely affect protein function. These predictions have not been confirmed by published functional studies and their clinical significance is uncertain. This variant has not been reported in the literature in individuals with POLG-related conditions. This variant is not present in population databases (ExAC no frequency). This sequence change replaces glycine with serine at codon 714 of the POLG protein (p.Gly714Ser). The glycine residue is weakly conserved and there is a small physicochemical difference between glycine and serine.